The following is an entry in ClinVar:

NM_000065.5(C6):c.1384T>G (p.Ser462Ala)

Gene: C6 (complement C6; minus strand). Cytogenetic location: 5p13.1.
Variant type: single nucleotide variant.
Coding change: c.1384T>G on transcript NM_000065.5 (MANE Select); coding-DNA position 1384, T replaced by G.
Protein change: p.Ser462Ala; replaces serine 462 with alanine.
Molecular consequence: missense variant.
Genome position (GRCh38, 1-based): chr5:41,161,767, A>C on the plus strand (T>G on the coding strand, the complement: C6 is on the minus strand). VCF-style: chr5-41161767-A-C. GRCh37 (hg19) VCF-style: chr5-41161869-A-C.
Other names: c.1384T>G, p.Ser462Ala (NM_001115131.4); short protein forms S462A.
Identifiers: ClinVar variation 3640944 (VCV003640944.2).

ClinVar aggregate classification (germline): Uncertain significance (1 of 4 stars; one submission).

Submission:

Labcorp Genetics (formerly Invitae), Labcorp
Classification: Uncertain significance. Last evaluated: 2024-02-14. Review status: criteria provided, single submitter. Criteria: Invitae Variant Classification Sherloc (09022015). Collection method: clinical testing. Allele origin: germline.
Comment: This sequence change replaces serine, which is neutral and polar, with alanine, which is neutral and non-polar, at codon 462 of the C6 protein (p.Ser462Ala). This variant is not present in population databases (gnomAD no frequency). This variant has not been reported in the literature in individuals affected with C6-related conditions. Algorithms developed to predict the effect of missense changes on protein structure and function output the following: SIFT: "Not Available"; PolyPhen-2: "Benign"; Align-GVGD: "Not Available". The alanine amino acid residue is found in multiple mammalian species, which suggests that this missense change does not adversely affect protein function. In summary, the available evidence is currently insufficient to determine the role of this variant in disease. Therefore, it has been classified as a Variant of Uncertain Significance.